The following is an entry in ClinVar:

ClinVar aggregate classification (germline): Likely pathogenic (1 of 4 stars; one submission).

Conditions:
Cockayne syndrome type 1. Also called: Cockayne syndrome type I; Cockayne syndrome classical; Cockayne syndrome classic form. Identifiers: Orphanet 191, Orphanet 90321, MedGen C0751039, MONDO:0019569, OMIM 216400.

Submission:

Myriad Genetics, Inc.
Classification: Likely pathogenic for Cockayne syndrome type 1. Last evaluated: 2022-02-07. Review status: criteria provided, single submitter. Criteria: Myriad Women's Health Autosomal Recessive and X-Linked Classification Criteria (2021). Collection method: clinical testing. Allele origin: unknown.
Comment: NM_000082.3(ERCC8):c.559C>T(Q187*) is expected to be pathogenic in the context of ERCC8-related disorders. This variant is predicted to lead to an abnormal or absent protein product due to the creation of a premature termination codon in ERCC8, a gene where loss-of-function variants are known to be pathogenic. Please note: this variant was assessed in the context of healthy population screening.

NM_000082.4(ERCC8):c.559C>T (p.Gln187Ter)

Gene: ERCC8 (ERCC excision repair 8, CSA ubiquitin ligase complex subunit; minus strand). Cytogenetic location: 5q12.1.
Variant type: single nucleotide variant.
Coding change: c.559C>T on transcript NM_000082.4 (MANE Select); coding-DNA position 559, C replaced by T.
Protein change: p.Gln187Ter; replaces glutamine 187 with a stop codon.
Molecular consequence: nonsense.
Genome position (GRCh38, 1-based): chr5:60,902,500, G>A on the plus strand (C>T on the coding strand, the complement: ERCC8 is on the minus strand). VCF-style: chr5-60902500-G-A. GRCh37 (hg19) VCF-style: chr5-60198327-G-A.
Other names: c.385C>T, p.Gln129Ter (NM_001007233.3); c.100C>T, p.Gln34Ter (NM_001290285.2); short protein forms Q129*, Q187*, Q34*.
Identifiers: ClinVar variation 1724342 (VCV001724342.2), dbSNP rs2531795554, ClinGen allele CA359826041.